The following is an entry in ClinVar:

NM_000254.3(MTR):c.842A>G (p.Tyr281Cys)

Gene: MTR (5-methyltetrahydrofolate-homocysteine methyltransferase; plus strand). Cytogenetic location: 1q43.
Variant type: single nucleotide variant.
Coding change: c.842A>G on transcript NM_000254.3 (MANE Select); coding-DNA position 842, A replaced by G.
Protein change: p.Tyr281Cys; replaces tyrosine 281 with cysteine.
Molecular consequence: missense variant. On other transcripts: 5 prime UTR variant (1).
Genome position (GRCh38, 1-based): chr1:236,824,196, A>G. VCF-style: chr1-236824196-A-G. GRCh37 (hg19) VCF-style: chr1-236987496-A-G.
Other names: c.842A>G, p.Tyr281Cys (NM_001291939.1); c.-267A>G (NM_001291940.2); short protein forms Y281C.
Identifiers: ClinVar variation 1700897 (VCV001700897.5), dbSNP rs750383628, ClinGen allele CA1473889.
Genomic context (GRCh38, chr1:236,824,196, plus strand): 5'-CTTTGGGTGCAGCTGAAATGAGACCTTTTATTGAAATAATTGGAAAATGTACAACAGCCT[A>G]TGTCCTCTGTTATCCCAATGCAGGTGTGTGTTTCAAGGGGGTCACACATGGGGAGATAAA-3'
Protein context (NP_000245.2, residues 271-291): IEIIGKCTTA[Tyr281Cys]VLCYPNAGLP

ClinVar aggregate classification (germline): Uncertain significance. Review status: criteria provided, multiple submitters, no conflicts (2 of 4 stars). 2 submissions from 2 submitters: Uncertain significance (2). Last evaluated 2022-06-30.

Conditions:
Inborn genetic diseases. Identifiers: MedGen C0950123, MeSH D030342.

Allele frequency attached by ClinVar (database versions not stated): gnomAD exomes 0.00002; TOPMed 0.00003; gnomAD 0.00002; ExAC 0.00002.
gnomAD v4.1: 86 of 1,613,886 alleles (0.0053%); highest among the groups gnomAD compares: Non-Finnish European, 0.0068%; no homozygotes.

Submissions (2):

Ambry Genetics
Classification: Uncertain significance for Inborn genetic diseases. Last evaluated: 2022-06-30. Review status: criteria provided, single submitter. Criteria: Ambry Variant Classification Scheme 2023. Collection method: clinical testing. Allele origin: germline.

GeneDx
Classification: Uncertain significance. Last evaluated: 2022-02-10. Review status: criteria provided, single submitter. Criteria: GeneDx Variant Classification Process June 2021. Collection method: clinical testing. Allele origin: germline. Affected: yes.
Comment: Not observed at significant frequency in large population cohorts (gnomAD); In silico analysis supports that this missense variant has a deleterious effect on protein structure/function; Has not been previously published as pathogenic or benign to our knowledge